The following is an entry in ClinVar:

NM_020436.5(SALL4):c.1082G>A (p.Gly361Glu)

Gene: SALL4 (spalt like transcription factor 4; minus strand). Cytogenetic location: 20q13.2.
Variant type: single nucleotide variant.
Coding change: c.1082G>A on transcript NM_020436.5 (MANE Select); coding-DNA position 1082, G replaced by A.
Protein change: p.Gly361Glu; replaces glycine 361 with glutamic acid.
Molecular consequence: missense variant.
Genome position (GRCh38, 1-based): chr20:51,791,401, C>T on the plus strand (G>A on the coding strand, the complement: SALL4 is on the minus strand). VCF-style: chr20-51791401-C-T. GRCh37 (hg19) VCF-style: chr20-50407940-C-T.
Other names: c.1082G>A, p.Gly361Glu (NM_001318031.2); short protein forms G361E.
Identifiers: ClinVar variation 4057182 (VCV004057182.1).

ClinVar aggregate classification (germline): Uncertain significance (1 of 4 stars; one submission).

Submission:

GeneDx
Classification: Uncertain significance. Last evaluated: 2025-01-13. Review status: criteria provided, single submitter. Criteria: GeneDx Variant Classification Process June 2021. Collection method: clinical testing. Allele origin: germline. Affected: yes.
Comment: Not observed at significant frequency in large population cohorts (gnomAD); In silico analysis supports that this missense variant has a deleterious effect on protein structure/function; Has not been previously published as pathogenic or benign to our knowledge